The following is an entry in ClinVar:

ClinVar aggregate classification (germline): Uncertain significance (1 of 4 stars; one submission).

gnomAD v4.1: 1 of 1,611,554 alleles (0.000062%); highest among the groups gnomAD compares: Non-Finnish European, 0.000085%; no homozygotes.

Submission:

GeneDx
Classification: Uncertain significance. Last evaluated: 2024-03-31. Review status: criteria provided, single submitter. Criteria: GeneDx Variant Classification Process June 2021. Collection method: clinical testing. Allele origin: germline. Affected: yes.
Comment: Not observed at significant frequency in large population cohorts (gnomAD); In silico analysis is inconclusive as to whether the variant alters gene splicing. In the absence of RNA/functional studies, the actual effect of this sequence change is unknown.; In silico analysis supports that this missense variant does not alter protein structure/function; Has not been previously published as pathogenic or benign to our knowledge

NM_001164508.2(NEB):c.20677A>G (p.Ser6893Gly)

Gene: NEB (nebulin; minus strand). Cytogenetic location: 2q23.3.
Variant type: single nucleotide variant.
Coding change: c.20677A>G on transcript NM_001164508.2 (MANE Select); coding-DNA position 20677, A replaced by G.
Protein change: p.Ser6893Gly; replaces serine 6893 with glycine.
Molecular consequence: missense variant.
Genome position (GRCh38, 1-based): chr2:151,541,452, T>C on the plus strand (A>G on the coding strand, the complement: NEB is on the minus strand). VCF-style: chr2-151541452-T-C. GRCh37 (hg19) VCF-style: chr2-152397966-T-C.
Other names: c.20677A>G, p.Ser6893Gly (NM_001164507.2, NM_001271208.2); c.15574A>G, p.Ser5192Gly (NM_004543.5); short protein forms S5192G, S6893G.
Identifiers: ClinVar variation 3343685 (VCV003343685.1).
Genomic context (GRCh38, chr2:151,541,452, plus strand): 5'-ATATAATCACCCCCTGTGATGCCTGAGTGGCAGGCTTATGAACCTCTGAGCTTACCTGAC[T>C]CTGAAGCTTCTGCCCTCGCTTGGCTCTTAAAAGATCAGGAGTATCAGGAACTGAAGTAAA-3'
Protein context (NP_001157980.2, residues 6883-6903): LRAKRGQKLQ[Ser6893Gly]QYLYVELATK